The following is an entry in ClinVar:

ClinVar aggregate classification (germline): Likely pathogenic. Review status: criteria provided, multiple submitters, no conflicts (2 of 4 stars). 2 submissions from 2 submitters: Likely pathogenic (2). Last evaluated 2025-05-27.

Conditions:
Hereditary fructosuria. Also called: ALDOB DEFICIENCY; ALDOLASE B DEFICIENCY; FRUCTOSE-1,6-BISPHOSPHATE ALDOLASE B DEFICIENCY; FRUCTOSE-1-PHOSPHATE ALDOLASE DEFICIENCY; FRUCTOSEMIA; Hereditary fructose intolerance. Identifiers: Orphanet 469, MedGen C0016751, MONDO:0009249, OMIM 229600, HP:0005973. Disease mechanism: loss of function.

Allele frequency attached by ClinVar (database versions not stated): gnomAD exomes below 0.00001.

Submissions (2):

Natera, Inc.
Classification: Likely pathogenic for Fructose intolerance. Last evaluated: 2025-05-27. Review status: criteria provided, single submitter. Criteria: Natera Variant Classification Schema (03/2026). Collection method: clinical testing. Allele origin: germline.
Comment: The c.1A>G variant in ALDOB is predicted to result in start loss due to disruption of the initiator methionine. This variant is expected to result in nonsense mediated decay, truncation, or a dysfunctional protein product. This variant is rare in the general population with a frequency below the threshold expected for the associated phenotype(s). Given the available evidence, this variant is classified as Likely Pathogenic.

Labcorp Genetics (formerly Invitae), Labcorp
Classification: Likely pathogenic for Hereditary fructosuria. Last evaluated: 2023-05-07. Review status: criteria provided, single submitter. Criteria: Invitae Variant Classification Sherloc (09022015). Collection method: clinical testing. Allele origin: germline.
Comment: In summary, the currently available evidence indicates that the variant is pathogenic, but additional data are needed to prove that conclusively. Therefore, this variant has been classified as Likely Pathogenic. ClinVar contains an entry for this variant (Variation ID: 2166048). Disruption of the initiator codon has been observed in individual(s) with hereditary fructose intolerance (PMID: 8438046). In at least one individual the data is consistent with being in trans (on the opposite chromosome) from a pathogenic variant. It has also been observed to segregate with disease in related individuals. This variant is not present in population databases (gnomAD no frequency). This sequence change affects the initiator methionine of the ALDOB mRNA. The next in-frame methionine is located at codon 40.

Literature cited by the submitters: PubMed 8438046 (cited by Labcorp Genetics (formerly Invitae), Labcorp).

NM_000035.4(ALDOB):c.1A>G (p.Met1Val)

Gene: ALDOB (aldolase, fructose-bisphosphate B; minus strand). Cytogenetic location: 9q31.1.
Variant type: single nucleotide variant.
Coding change: c.1A>G on transcript NM_000035.4 (MANE Select); coding-DNA position 1, A replaced by G.
Protein change: p.Met1Val; changes the start codon (methionine 1).
Molecular consequence: missense variant, initiator codon variant.
Genome position (GRCh38, 1-based): chr9:101,430,887, T>C on the plus strand (A>G on the coding strand, the complement: ALDOB is on the minus strand). VCF-style: chr9-101430887-T-C. GRCh37 (hg19) VCF-style: chr9-104193169-T-C.
Other names: c.1A>G (NM_000035.3); short protein forms M1V.
Identifiers: ClinVar variation 2166048 (VCV002166048.6), dbSNP rs2490130765, ClinGen allele CA374266324.